The following is an entry in ClinVar:

ClinVar aggregate classification (germline): Uncertain significance. Review status: criteria provided, multiple submitters, no conflicts (2 of 4 stars). 3 submissions from 3 submitters: Uncertain significance (3). Last evaluated 2025-03-18.

Conditions:
Dyskeratosis congenita, autosomal dominant 2. Identifiers: MedGen C3151443, MONDO:0013521, OMIM 613989.
Idiopathic Pulmonary Fibrosis. Also called: Idiopathic fibrosing alveolitis, chronic form; idiopathic fibrosing alveolitis. Identifiers: Orphanet 2032, MedGen C1800706, MeSH D054990, MONDO:0800504.
Dyskeratosis congenita. Identifiers: Orphanet 1775, MedGen C0265965, MONDO:0015780.

Allele frequency attached by ClinVar (database versions not stated): gnomAD exomes 0.00001.

Submissions (3):

Ambry Genetics
Classification: Uncertain significance for Dyskeratosis congenita. Last evaluated: 2025-03-18. Review status: criteria provided, single submitter. Criteria: Ambry Variant Classification Scheme 2023. Collection method: clinical testing. Allele origin: germline.
Comment: The p.P308A variant (also known as c.922C>G), located in coding exon 2 of the TERT gene, results from a C to G substitution at nucleotide position 922. The proline at codon 308 is replaced by alanine, an amino acid with highly similar properties. This amino acid position is poorly conserved in available vertebrate species. In addition, this alteration is predicted to be tolerated by in silico analysis. Based on the available evidence, the clinical significance of this variant remains unclear.

Labcorp Genetics (formerly Invitae), Labcorp
Classification: Uncertain significance for Dyskeratosis congenita, autosomal dominant 2; Idiopathic Pulmonary Fibrosis. Last evaluated: 2024-04-05. Review status: criteria provided, single submitter. Criteria: Invitae Variant Classification Sherloc (09022015). Collection method: clinical testing. Allele origin: germline.
Comment: This sequence change replaces proline, which is neutral and non-polar, with alanine, which is neutral and non-polar, at codon 308 of the TERT protein (p.Pro308Ala). This variant is present in population databases (no rsID available, gnomAD 0.004%). This variant has not been reported in the literature in individuals affected with TERT-related conditions. ClinVar contains an entry for this variant (Variation ID: 1472776). Algorithms developed to predict the effect of missense changes on protein structure and function output the following: SIFT: "Not Available"; PolyPhen-2: "Benign"; Align-GVGD: "Not Available". The alanine amino acid residue is found in multiple mammalian species, which suggests that this missense change does not adversely affect protein function. In summary, the available evidence is currently insufficient to determine the role of this variant in disease. Therefore, it has been classified as a Variant of Uncertain Significance.

GeneDx
Classification: Uncertain significance. Last evaluated: 2022-07-28. Review status: criteria provided, single submitter. Criteria: GeneDx Variant Classification Process June 2021. Collection method: clinical testing. Allele origin: germline. Affected: yes.
Comment: Not observed at a significant frequency in large population cohorts (gnomAD); In silico analysis supports that this missense variant does not alter protein structure/function; Has not been previously published as pathogenic or benign to our knowledge

NM_198253.3(TERT):c.922C>G (p.Pro308Ala)

Gene: TERT (telomerase reverse transcriptase; minus strand). Cytogenetic location: 5p15.33.
Variant type: single nucleotide variant.
Coding change: c.922C>G on transcript NM_198253.3 (MANE Select); coding-DNA position 922, C replaced by G.
Protein change: p.Pro308Ala; replaces proline 308 with alanine.
Molecular consequence: missense variant. On other transcripts: non-coding transcript variant (2).
Genome position (GRCh38, 1-based): chr5:1,293,964, G>C on the plus strand (C>G on the coding strand, the complement: TERT is on the minus strand). VCF-style: chr5-1293964-G-C. GRCh37 (hg19) VCF-style: chr5-1294079-G-C.
Other names: c.922C>G, p.Pro308Ala (NM_001193376.3); short protein forms P308A.
Identifiers: ClinVar variation 1472776 (VCV001472776.9), dbSNP rs753366759, ClinGen allele CA359056145.